The following is an entry in ClinVar:

ClinVar aggregate classification (germline): Likely benign. Review status: criteria provided, multiple submitters, no conflicts (2 of 4 stars). 2 submissions from 2 submitters: Likely benign (2). Last evaluated 2026-01-21.

Conditions:
Pyruvate dehydrogenase E1-beta deficiency (PDHBD). Identifiers: Orphanet 255138, Orphanet 765, MedGen C3279841, MONDO:0013580, OMIM 614111.

Allele frequency attached by ClinVar (database versions not stated): TOPMed 0.00003.

Submissions (2):

Labcorp Genetics (formerly Invitae), Labcorp
Classification: Likely benign for Pyruvate dehydrogenase E1-beta deficiency. Last evaluated: 2026-01-21. Review status: criteria provided, single submitter. Criteria: Invitae Variant Classification Sherloc (09022015). Collection method: clinical testing. Allele origin: germline.

GeneDx
Classification: Likely benign. Last evaluated: 2018-02-12. Review status: criteria provided, single submitter. Criteria: GeneDx Variant Classification (06012015). Collection method: clinical testing. Allele origin: germline. Affected: yes.
Comment: This variant is considered likely benign or benign based on one or more of the following criteria: it is a conservative change, it occurs at a poorly conserved position in the protein, it is predicted to be benign by multiple in silico algorithms, and/or has population frequency not consistent with disease.

NM_000925.4(PDHB):c.96+12G>C

Genes: PDHB (pyruvate dehydrogenase E1 subunit beta; minus strand), LOC129936949 (ATAC-STARR-seq lymphoblastoid active region 20012; plus strand). Cytogenetic location: 3p14.3.
Variant type: single nucleotide variant.
Coding change: c.96+12G>C on transcript NM_000925.4 (MANE Select); 12 bases into the intron after coding-DNA position 96, G replaced by C.
Molecular consequence: intron variant.
Genome position (GRCh38, 1-based): chr3:58,433,619, C>G on the plus strand (G>C on the coding strand, the complement: PDHB is on the minus strand). VCF-style: chr3-58433619-C-G. GRCh37 (hg19) VCF-style: chr3-58419346-C-G.
Other names: c.42+149G>C (NM_001315536.2); c.96+12G>C (NM_001173468.2).
Identifiers: ClinVar variation 507949 (VCV000507949.9), dbSNP rs773433623, ClinGen allele CA2471668.